The following is an entry in ClinVar:

NM_005908.4(MANBA):c.1453dup (p.Tyr485fs)

Gene: MANBA (mannosidase beta; minus strand). Cytogenetic location: 4q24.
Variant type: Duplication.
Coding change: c.1453dup on transcript NM_005908.4 (MANE Select); coding-DNA position 1453, one base duplicated (T; older notation c.1453dupT).
Protein change: p.Tyr485fs; shifts the reading frame from tyrosine 485.
Molecular consequence: frameshift variant.
Genome position (GRCh38, 1-based): chr4:102,664,717, A duplicated on the plus strand (T on the coding strand, the reverse complement: MANBA is on the minus strand). VCF-style (leftmost placement, unchanged base first): chr4-102664716-T-TA. GRCh37 (hg19) VCF-style: chr4-103585873-T-TA.
Other names: short protein forms Y485fs.
Identifiers: ClinVar variation 2704638 (VCV002704638.3), dbSNP rs2476774517, ClinGen allele CA2697546832.

ClinVar aggregate classification (germline): Pathogenic (1 of 4 stars; one submission).

Conditions:
Beta-D-mannosidosis (MANSB). Also called: Beta-Mannosidosis; MANNOSIDOSIS, BETA A, LYSOSOMAL; BETA-MANNOSIDASE DEFICIENCY; LYSOSOMAL BETA-MANNOSIDASE DEFICIENCY. Identifiers: Orphanet 118, MedGen C4048196, MONDO:0009562, OMIM 248510.

Submission:

Labcorp Genetics (formerly Invitae), Labcorp
Classification: Pathogenic for Beta-D-mannosidosis. Last evaluated: 2023-12-21. Review status: criteria provided, single submitter. Criteria: Invitae Variant Classification Sherloc (09022015). Collection method: clinical testing. Allele origin: germline.
Comment: This sequence change creates a premature translational stop signal (p.Tyr485Leufs*28) in the MANBA gene. It is expected to result in an absent or disrupted protein product. Loss-of-function variants in MANBA are known to be pathogenic (PMID: 9384606, 12468273). This variant is not present in population databases (gnomAD no frequency). This variant has not been reported in the literature in individuals affected with MANBA-related conditions. For these reasons, this variant has been classified as Pathogenic.

Literature cited by the submitters: PubMed 9384606; PubMed 12468273.